The following is an entry in ClinVar:

NM_001458.5(FLNC):c.5398+6G>T

Genes: FLNC-AS1 (FLNC antisense RNA 1; minus strand), FLNC (filamin C; plus strand). Cytogenetic location: 7q32.1.
Variant type: single nucleotide variant.
Coding change: c.5398+6G>T on transcript NM_001458.5 (MANE Select); 6 bases into the intron after coding-DNA position 5398, G replaced by T.
Molecular consequence: intron variant.
Genome position (GRCh38, 1-based): chr7:128,850,489, G>T. VCF-style: chr7-128850489-G-T. GRCh37 (hg19) VCF-style: chr7-128490543-G-T.
Other names: c.5299+6G>T (NM_001127487.2).
Identifiers: ClinVar variation 3749340 (VCV003749340.2).
Genomic context (GRCh38, chr7:128,850,489, plus strand): 5'-CTGAGGCCCTTCAACCTGGTCATCCCCTTCGCGGTGCAGAAAGGGGAGCTCACAGGTACT[G>T]CCCTGTGGCTCCCAGGCATGAGGGCTGAGGGGAGAAACCCTCTTCCAGGCCCAGTCCTGT-3'

ClinVar aggregate classification (germline): Uncertain significance (1 of 4 stars; one submission).

Conditions:
Hypertrophic cardiomyopathy 26. Also called: Cardiomyopathy, familial hypertrophic, 26. Identifiers: Orphanet 75249, MedGen C4310749, MONDO:0014883, OMIM 617047.
Myofibrillar myopathy 5. Also called: Filaminopathy (type); FILAMINOPATHY, AUTOSOMAL DOMINANT. Identifiers: Orphanet 171445, MedGen C1836050, MONDO:0012289, OMIM 609524.
Distal myopathy with posterior leg and anterior hand involvement. Also called: WILLIAMS DISTAL MYOPATHY. Identifiers: Orphanet 63273, MedGen C3279722, MONDO:0013550, OMIM 614065.

Submission:

Labcorp Genetics (formerly Invitae), Labcorp
Classification: Uncertain significance for Distal myopathy with posterior leg and anterior hand involvement; Myofibrillar myopathy 5; Hypertrophic cardiomyopathy 26. Last evaluated: 2024-10-08. Review status: criteria provided, single submitter. Criteria: Invitae Variant Classification Sherloc (09022015). Collection method: clinical testing. Allele origin: germline.
Comment: This sequence change falls in intron 32 of the FLNC gene. It does not directly change the encoded amino acid sequence of the FLNC protein. It affects a nucleotide within the consensus splice site. This variant is not present in population databases (gnomAD no frequency). This variant has not been reported in the literature in individuals affected with FLNC-related conditions. Variants that disrupt the consensus splice site are a relatively common cause of aberrant splicing (PMID: 17576681, 9536098). Algorithms developed to predict the effect of sequence changes on RNA splicing suggest that this variant is not likely to affect RNA splicing. In summary, the available evidence is currently insufficient to determine the role of this variant in disease. Therefore, it has been classified as a Variant of Uncertain Significance.

Literature cited by the submitters: PubMed 17576681; PubMed 9536098.